The following is an entry in ClinVar:

NM_002772.3(TMPRSS15):c.276+2T>C

Gene: TMPRSS15 (transmembrane serine protease 15; minus strand). Cytogenetic location: 21q21.1.
Variant type: single nucleotide variant.
Coding change: c.276+2T>C on transcript NM_002772.3 (MANE Select); the canonical splice donor site of the intron after coding-DNA position 276, T replaced by C.
Molecular consequence: splice donor variant.
Genome position (GRCh38, 1-based): chr21:18,398,197, A>G on the plus strand (T>C on the coding strand, the complement: TMPRSS15 is on the minus strand). VCF-style: chr21-18398197-A-G. GRCh37 (hg19) VCF-style: chr21-19770514-A-G.
Identifiers: ClinVar variation 2842721 (VCV002842721.3), dbSNP rs2516852776, ClinGen allele CA409853402.

ClinVar aggregate classification (germline): Likely pathogenic (1 of 4 stars; one submission).

Allele frequency attached by ClinVar (database versions not stated): gnomAD exomes below 0.00001.
gnomAD v4.1: 1 of 1,613,822 alleles (0.000062%); highest among the groups gnomAD compares: South Asian, 0.0011%; no homozygotes.

Submission:

Labcorp Genetics (formerly Invitae), Labcorp
Classification: Likely pathogenic. Last evaluated: 2023-03-04. Review status: criteria provided, single submitter. Criteria: Invitae Variant Classification Sherloc (09022015). Collection method: clinical testing. Allele origin: germline.
Comment: This sequence change affects a donor splice site in intron 2 of the TMPRSS15 gene. It is expected to disrupt RNA splicing. Variants that disrupt the donor or acceptor splice site typically lead to a loss of protein function (PMID: 16199547), and loss-of-function variants in TMPRSS15 are known to be pathogenic (PMID: 11719902). This variant is not present in population databases (gnomAD no frequency). This variant has not been reported in the literature in individuals affected with TMPRSS15-related conditions. Algorithms developed to predict the effect of sequence changes on RNA splicing suggest that this variant may disrupt the consensus splice site. In summary, the currently available evidence indicates that the variant is pathogenic, but additional data are needed to prove that conclusively. Therefore, this variant has been classified as Likely Pathogenic.

Literature cited by the submitters: PubMed 16199547; PubMed 11719902.